The following is an entry in ClinVar:

ClinVar aggregate classification (germline): Uncertain significance (1 of 4 stars; one submission).

Allele frequency attached by ClinVar (database versions not stated): TOPMed below 0.00001.
gnomAD v4.1: 1 of 1,614,168 alleles (0.000062%); highest among the groups gnomAD compares: Non-Finnish European, 0.000085%; no homozygotes.

Submission:

GeneDx
Classification: Uncertain significance. Last evaluated: 2024-08-17. Review status: criteria provided, single submitter. Criteria: GeneDx Variant Classification Process June 2021. Collection method: clinical testing. Allele origin: germline. Affected: yes.
Comment: Not observed at significant frequency in large population cohorts (gnomAD); In silico analysis, which includes protein predictors and evolutionary conservation, supports that this variant does not alter protein structure/function; Has not been previously published as pathogenic or benign to our knowledge

NM_001130438.3(SPTAN1):c.3569C>A (p.Ser1190Tyr)

Gene: SPTAN1 (spectrin alpha, non-erythrocytic 1; plus strand). Cytogenetic location: 9q34.11.
Variant type: single nucleotide variant.
Coding change: c.3569C>A on transcript NM_001130438.3 (MANE Select); coding-DNA position 3569, C replaced by A.
Protein change: p.Ser1190Tyr; replaces serine 1190 with tyrosine.
Molecular consequence: missense variant.
Genome position (GRCh38, 1-based): chr9:128,600,105, C>A. VCF-style: chr9-128600105-C-A. GRCh37 (hg19) VCF-style: chr9-131362384-C-A.
Other names: c.3509C>A, p.Ser1170Tyr (NM_001195532.2, NM_001363765.2, NM_001375314.2); c.3569C>A, p.Ser1190Tyr (NM_001363759.2, NM_001375310.1, NM_001375311.2 and 2 more transcripts); c.3605C>A, p.Ser1202Tyr (NM_001375312.2, NM_001375318.1); short protein forms S1170Y, S1190Y, S1202Y.
Identifiers: ClinVar variation 1306014 (VCV001306014.3), dbSNP rs1046110538, ClinGen allele CA200392879.